The following is an entry in ClinVar:

ClinVar aggregate classification (germline): Uncertain significance (1 of 4 stars; one submission).

Submission:

Labcorp Genetics (formerly Invitae), Labcorp
Classification: Uncertain significance. Last evaluated: 2024-07-11. Review status: criteria provided, single submitter. Criteria: Invitae Variant Classification Sherloc (09022015). Collection method: clinical testing. Allele origin: germline.
Comment: This sequence change replaces leucine, which is neutral and non-polar, with proline, which is neutral and non-polar, at codon 978 of the FOCAD protein (p.Leu978Pro). This variant is present in population databases (rs765889743, gnomAD 0.002%). This variant has not been reported in the literature in individuals affected with FOCAD-related conditions. Experimental studies and prediction algorithms are not available or were not evaluated, and the functional significance of this variant is currently unknown. In summary, the available evidence is currently insufficient to determine the role of this variant in disease. Therefore, it has been classified as a Variant of Uncertain Significance.

NM_001375567.1(FOCAD):c.2933T>C (p.Leu978Pro)

Gene: FOCAD (focadhesin; plus strand). Cytogenetic location: 9p21.3.
Variant type: single nucleotide variant.
Coding change: c.2933T>C on transcript NM_001375567.1 (MANE Select); coding-DNA position 2933, T replaced by C.
Protein change: p.Leu978Pro; replaces leucine 978 with proline.
Molecular consequence: missense variant.
Genome position (GRCh38, 1-based): chr9:20,923,740, T>C. VCF-style: chr9-20923740-T-C. GRCh37 (hg19) VCF-style: chr9-20923739-T-C.
Other names: c.2828T>C, p.Leu943Pro (NM_001375568.1, NM_001375570.1); c.2933T>C, p.Leu978Pro (NM_017794.5); short protein forms L943P, L978P.
Identifiers: ClinVar variation 3632571 (VCV003632571.2).